The following is an entry in ClinVar:

NM_006019.4(TCIRG1):c.2124_2125delinsGT (p.Pro709Ser)

Gene: TCIRG1 (T cell immune regulator 1, ATPase H+ transporting V0 subunit a3; plus strand). Cytogenetic location: 11q13.2.
Variant type: Indel.
Coding change: c.2124_2125delinsGT on transcript NM_006019.4 (MANE Select); coding-DNA positions 2124 to 2125, CC replaced by GT.
Protein change: p.Pro709Ser; replaces proline 709 with serine.
Molecular consequence: missense variant.
Genome position (GRCh38, 1-based): chr11:68,050,142-68,050,143, CC replaced by GT. VCF-style: chr11-68050142-CC-GT. GRCh37 (hg19) VCF-style: chr11-67817609-CC-GT.
Other names: c.1230_1231delinsGT, p.Pro411Ser (NM_001351059.2); c.1476_1477delinsGT, p.Pro493Ser (NM_006053.4); short protein forms P493S, P411S, P709S.
Identifiers: ClinVar variation 3661259 (VCV003661259.2).

ClinVar aggregate classification (germline): Uncertain significance (1 of 4 stars; one submission).

Submission:

Labcorp Genetics (formerly Invitae), Labcorp
Classification: Uncertain significance. Last evaluated: 2024-08-08. Review status: criteria provided, single submitter. Criteria: Invitae Variant Classification Sherloc (09022015). Collection method: clinical testing. Allele origin: germline.
Comment: This sequence change replaces proline, which is neutral and non-polar, with serine, which is neutral and polar, at codon 709 of the TCIRG1 protein (p.Pro709Ser). Information on the frequency of this variant in the gnomAD database is not available, as this variant may be reported differently in the database. This variant has not been reported in the literature in individuals affected with TCIRG1-related conditions. Experimental studies and prediction algorithms are not available or were not evaluated, and the functional significance of this variant is currently unknown. In summary, the available evidence is currently insufficient to determine the role of this variant in disease. Therefore, it has been classified as a Variant of Uncertain Significance.